The following is an entry in ClinVar:

NM_021961.6(TEAD1):c.619C>G (p.Gln207Glu)

Gene: TEAD1 (TEA domain transcription factor 1; plus strand). Cytogenetic location: 11p15.3.
Variant type: single nucleotide variant.
Coding change: c.619C>G on transcript NM_021961.6 (MANE Select); coding-DNA position 619, C replaced by G.
Protein change: p.Gln207Glu; replaces glutamine 207 with glutamic acid.
Molecular consequence: missense variant.
Genome position (GRCh38, 1-based): chr11:12,883,045, C>G. VCF-style: chr11-12883045-C-G. GRCh37 (hg19) VCF-style: chr11-12904592-C-G.
Other names: short protein forms Q207E.
Identifiers: ClinVar variation 1429660 (VCV001429660.6), dbSNP rs762088838, ClinGen allele CA5891692.

ClinVar aggregate classification (germline): Uncertain significance (1 of 4 stars; one submission).

Allele frequency attached by ClinVar (database versions not stated): ExAC 0.00002; gnomAD exomes 0.00005; TOPMed 0.00006; gnomAD 0.00007 and 0.00008.
gnomAD v4.1: 270 of 1,614,090 alleles (0.017%); highest among the groups gnomAD compares: Non-Finnish European, 0.02%; no homozygotes.

Submission:

Labcorp Genetics (formerly Invitae), Labcorp
Classification: Uncertain significance. Last evaluated: 2025-11-22. Review status: criteria provided, single submitter. Criteria: Invitae Variant Classification Sherloc (09022015). Collection method: clinical testing. Allele origin: germline.
Comment: This sequence change replaces glutamine, which is neutral and polar, with glutamic acid, which is acidic and polar, at codon 207 of the TEAD1 protein (p.Gln207Glu). This variant is present in population databases (rs762088838, gnomAD 0.01%). This variant has not been reported in the literature in individuals affected with TEAD1-related conditions. ClinVar contains an entry for this variant (Variation ID: 1429660). Invitae Evidence Modeling of protein sequence and biophysical properties (such as structural, functional, and spatial information, amino acid conservation, physicochemical variation, residue mobility, and thermodynamic stability) indicates that this missense variant is not expected to disrupt TEAD1 protein function with a negative predictive value of 80%. In summary, the available evidence is currently insufficient to determine the role of this variant in disease. Therefore, it has been classified as a Variant of Uncertain Significance.